The following is an entry in ClinVar:

ClinVar aggregate classification (germline): Uncertain significance. Review status: criteria provided, multiple submitters, no conflicts (2 of 4 stars). 2 submissions from 2 submitters: Uncertain significance (2). Last evaluated 2025-05-20.

Conditions:
Inborn genetic diseases. Identifiers: MedGen C0950123, MeSH D030342.
Pityriasis rubra pilaris (PRP). Also called: Pityriasis rubra pilaris--familial type. Identifiers: Orphanet 2897, MedGen C0032027, MONDO:0100017, OMIM 173200, MONDO:0008251.
Psoriasis 2. Identifiers: MedGen C1864497, MONDO:0011269, OMIM 602723.

Allele frequency attached by ClinVar (database versions not stated): TOPMed 0.00001; gnomAD 0.00002; ExAC 0.00003; gnomAD exomes 0.00004; 1000 Genomes Project 30x 0.00016; 1000 Genomes Project 0.00020.

Submissions (2):

Ambry Genetics
Classification: Uncertain significance for Inborn genetic diseases. Last evaluated: 2025-05-20. Review status: criteria provided, single submitter. Criteria: Ambry Variant Classification Scheme 2023. Collection method: clinical testing. Allele origin: germline.

Labcorp Genetics (formerly Invitae), Labcorp
Classification: Uncertain significance for Pityriasis rubra pilaris; Psoriasis 2. Last evaluated: 2024-06-27. Review status: criteria provided, single submitter. Criteria: Invitae Variant Classification Sherloc (09022015). Collection method: clinical testing. Allele origin: germline.
Comment: This sequence change replaces alanine, which is neutral and non-polar, with threonine, which is neutral and polar, at codon 477 of the CARD14 protein (p.Ala477Thr). This variant is present in population databases (rs572325893, gnomAD 0.01%). This variant has not been reported in the literature in individuals affected with CARD14-related conditions. ClinVar contains an entry for this variant (Variation ID: 2178836). Advanced modeling of protein sequence and biophysical properties (such as structural, functional, and spatial information, amino acid conservation, physicochemical variation, residue mobility, and thermodynamic stability) performed at Invitae indicates that this missense variant is not expected to disrupt CARD14 protein function with a negative predictive value of 80%. In summary, the available evidence is currently insufficient to determine the role of this variant in disease. Therefore, it has been classified as a Variant of Uncertain Significance.

NM_001366385.1(CARD14):c.1429G>A (p.Ala477Thr)

Gene: CARD14 (caspase recruitment domain family member 14; plus strand). Cytogenetic location: 17q25.3.
Variant type: single nucleotide variant.
Coding change: c.1429G>A on transcript NM_001366385.1 (MANE Select); coding-DNA position 1429, G replaced by A.
Protein change: p.Ala477Thr; replaces alanine 477 with threonine.
Molecular consequence: missense variant. On other transcripts: non-coding transcript variant (1).
Genome position (GRCh38, 1-based): chr17:80,195,263, G>A. VCF-style: chr17-80195263-G-A. GRCh37 (hg19) VCF-style: chr17-78169062-G-A.
Other names: c.1429G>A, p.Ala477Thr (NM_001257970.1, NM_024110.4); c.718G>A, p.Ala240Thr (NM_052819.3); c.1429G>A (NM_024110.3); short protein forms A240T, A477T.
Identifiers: ClinVar variation 2178836 (VCV002178836.5), dbSNP rs572325893, ClinGen allele CA8816826.